The following is an entry in ClinVar:

NM_005502.4(ABCA1):c.4416G>T (p.Lys1472Asn)

Gene: ABCA1 (ATP binding cassette subfamily A member 1; minus strand). Cytogenetic location: 9q31.1.
Variant type: single nucleotide variant.
Coding change: c.4416G>T on transcript NM_005502.4 (MANE Select); coding-DNA position 4416, G replaced by T.
Protein change: p.Lys1472Asn; replaces lysine 1472 with asparagine.
Molecular consequence: missense variant.
Genome position (GRCh38, 1-based): chr9:104,806,289, C>A on the plus strand (G>T on the coding strand, the complement: ABCA1 is on the minus strand). VCF-style: chr9-104806289-C-A. GRCh37 (hg19) VCF-style: chr9-107568570-C-A.
Other names: short protein forms K1472N.
Identifiers: ClinVar variation 1740440 (VCV001740440.2), dbSNP rs974352625, ClinGen allele CA197370897.

ClinVar aggregate classification (germline): Uncertain significance (1 of 4 stars; one submission).

Conditions:
Cardiovascular phenotype. Identifiers: MedGen CN230736.

Allele frequency attached by ClinVar (database versions not stated): TOPMed 0.00001.

Submission:

Ambry Genetics
Classification: Uncertain significance for Cardiovascular phenotype. Last evaluated: 2021-06-22. Review status: criteria provided, single submitter. Criteria: Ambry Variant Classification Scheme 2023. Collection method: clinical testing. Allele origin: germline.
Comment: The p.K1472N variant (also known as c.4416G>T), located in coding exon 30 of the ABCA1 gene, results from a G to T substitution at nucleotide position 4416. The lysine at codon 1472 is replaced by asparagine, an amino acid with similar properties. This amino acid position is conserved. In addition, the in silico prediction for this alteration is inconclusive. Since supporting evidence is limited at this time, the clinical significance of this alteration remains unclear.